The following is an entry in ClinVar:

NM_001044.5(SLC6A3):c.253C>T (p.Arg85Trp)

Gene: SLC6A3 (solute carrier family 6 member 3). Cytogenetic location: 5p15.33.
Variant type: single nucleotide variant.
Coding change: c.253C>T on transcript NM_001044.5 (MANE Select); coding-DNA position 253, C replaced by T.
Protein change: p.Arg85Trp; replaces arginine 85 with tryptophan.
Molecular consequence: missense variant.
Genome position (GRCh38, 1-based): chr5:1,442,945, G>A on the plus strand (C>T on the coding strand, the complement: SLC6A3 is on the minus strand). VCF-style: chr5-1442945-G-A. GRCh37 (hg19) VCF-style: chr5-1443060-G-A.
Other names: short protein forms R85W.
Identifiers: ClinVar variation 421417 (VCV000421417.2), dbSNP rs1064795122, ClinGen allele CA16618134.

ClinVar aggregate classification (germline): Likely pathogenic (1 of 4 stars; one submission).

Allele frequency attached by ClinVar (database versions not stated): gnomAD 0.00001.
gnomAD v4.1: 11 of 1,614,190 alleles (0.00068%); highest among the groups gnomAD compares: Non-Finnish European, 0.00085%; no homozygotes.

Submission:

GeneDx
Classification: Likely pathogenic. Last evaluated: 2019-01-03. Review status: criteria provided, single submitter. Criteria: GeneDx Variant Classification (06012015). Collection method: clinical testing. Allele origin: germline. Affected: yes.
Comment: The R85W variant in the SLC6A3 gene has not been reported previously as a pathogenic variant, nor as a benign variant, to our knowledge. However, a missense variant at this same codon (R85L) has been reported in dopamine transporter deficiency syndrome in an affected individual who was compound heterozygous for the R85L variant and another SLC6A3 variant (Ng et al., 2014). The R85W variant is not observed in large population cohorts (Lek et al., 2016). The R85W variant is a non-conservative amino acid substitution, which is likely to impact secondary protein structure as these residues differ in polarity, charge, size and/or other properties. In-silico analyses, including protein predictors and evolutionary conservation, support a deleterious effect. The R85W variant is located within transmembrane domain 1b, a functionally important region of the protein (Ng et al., 2014). We interpret R85W as a likely pathogenic variant.